The following is an entry in ClinVar:

ClinVar aggregate classification (germline): Uncertain significance. Review status: criteria provided, multiple submitters, no conflicts (2 of 4 stars). 2 submissions from 2 submitters: Uncertain significance (2). Last evaluated 2021-09-07.

Allele frequency attached by ClinVar (database versions not stated): gnomAD exomes 0.00001; ExAC 0.00005.
gnomAD v4.1: 3 of 1,551,402 alleles (0.00019%); highest among the groups gnomAD compares: Non-Finnish European, 0.00026%; no homozygotes.

Submissions (2):

Labcorp Genetics (formerly Invitae), Labcorp
Classification: Uncertain significance. Last evaluated: 2021-09-07. Review status: criteria provided, single submitter. Criteria: Invitae Variant Classification Sherloc (09022015). Collection method: clinical testing. Allele origin: germline.
Comment: This missense change has been observed in individual(s) with clinical features of autosomal recessive retinitis pigmentosa (Invitae). This variant is present in population databases (rs757841530, ExAC 0.01%). This sequence change replaces methionine with arginine at codon 2707 of the EYS protein (p.Met2707Arg). The methionine residue is highly conserved and there is a moderate physicochemical difference between methionine and arginine. ClinVar contains an entry for this variant (Variation ID: 866503). Algorithms developed to predict the effect of missense changes on protein structure and function are either unavailable or do not agree on the potential impact of this missense change (SIFT: "Deleterious"; PolyPhen-2: "Possibly Damaging"; Align-GVGD: "Class C0"). In summary, the available evidence is currently insufficient to determine the role of this variant in disease. Therefore, it has been classified as a Variant of Uncertain Significance.

Blueprint Genetics
Classification: Uncertain significance. Last evaluated: 2018-12-17. Review status: criteria provided, single submitter. Criteria: ACMG Guidelines, 2015. Collection method: clinical testing. Allele origin: germline.

NM_001142800.2(EYS):c.8120T>G (p.Met2707Arg)

Gene: EYS (EGF-like photoreceptor maintenance factor; minus strand). Cytogenetic location: 6q12.
Variant type: single nucleotide variant.
Coding change: c.8120T>G on transcript NM_001142800.2 (MANE Select); coding-DNA position 8120, T replaced by G.
Protein change: p.Met2707Arg; replaces methionine 2707 with arginine.
Molecular consequence: missense variant.
Genome position (GRCh38, 1-based): chr6:63,726,632, A>C on the plus strand (T>G on the coding strand, the complement: EYS is on the minus strand). VCF-style: chr6-63726632-A-C. GRCh37 (hg19) VCF-style: chr6-64436525-A-C.
Other names: c.8183T>G, p.Met2728Arg (NM_001292009.2); short protein forms M2707R, M2728R.
Identifiers: ClinVar variation 866503 (VCV000866503.8), dbSNP rs757841530, ClinGen allele CA3876733.
Genomic context (GRCh38, chr6:63,726,632, plus strand): 5'-AGAGGCTGAAACTGCAATTGAATATGTGTCTTTTTTCGAACATGAAAGGAAGCAAAAGAC[A>C]TCCAGGATAACTCATTGCTTCTGAAAGATGGATCACTTATGGATAAAGCTGAGGGAAGGA-3'
Protein context (NP_001136272.1, residues 2697-2717): PSFRSNELSW[Met2707Arg]SFASFHVRKK